The following is an entry in ClinVar:

ClinVar aggregate classification (germline): Uncertain significance (1 of 4 stars; one submission).

Allele frequency attached by ClinVar (database versions not stated): 1000 Genomes Project 0.00020; 1000 Genomes Project 30x 0.00031; gnomAD 0.00001; ExAC 0.00003.
gnomAD v4.1: 8 of 1,537,652 alleles (0.00052%); highest among the groups gnomAD compares: South Asian, 0.0035%; no homozygotes.

Submission:

Labcorp Genetics (formerly Invitae), Labcorp
Classification: Uncertain significance. Last evaluated: 2025-12-14. Review status: criteria provided, single submitter. Criteria: Invitae Variant Classification Sherloc (09022015). Collection method: clinical testing. Allele origin: germline.
Comment: This sequence change replaces glycine, which is neutral and non-polar, with serine, which is neutral and polar, at codon 475 of the COL9A2 protein (p.Gly475Ser). The frequency data for this variant in the population databases is considered unreliable, as metrics indicate poor data quality at this position in the gnomAD database. This variant has not been reported in the literature in individuals affected with COL9A2-related conditions. ClinVar contains an entry for this variant (Variation ID: 2097250). Invitae Evidence Modeling of protein sequence and biophysical properties (such as structural, functional, and spatial information, amino acid conservation, physicochemical variation, residue mobility, and thermodynamic stability) indicates that this missense variant is expected to disrupt COL9A2 protein function with a positive predictive value of 95%. In summary, the available evidence is currently insufficient to determine the role of this variant in disease. Therefore, it has been classified as a Variant of Uncertain Significance.

NM_001852.4(COL9A2):c.1423G>A (p.Gly475Ser)

Gene: COL9A2 (collagen type IX alpha 2 chain; minus strand). Cytogenetic location: 1p34.2.
Variant type: single nucleotide variant.
Coding change: c.1423G>A on transcript NM_001852.4 (MANE Select); coding-DNA position 1423, G replaced by A.
Protein change: p.Gly475Ser; replaces glycine 475 with serine.
Molecular consequence: missense variant.
Genome position (GRCh38, 1-based): chr1:40,303,655, C>T on the plus strand (G>A on the coding strand, the complement: COL9A2 is on the minus strand). VCF-style: chr1-40303655-C-T. GRCh37 (hg19) VCF-style: chr1-40769327-C-T.
Other names: short protein forms G475S.
Identifiers: ClinVar variation 2097250 (VCV002097250.4), dbSNP rs201605482, ClinGen allele CA791438.